The following is an entry in ClinVar:

ClinVar aggregate classification (germline): Uncertain significance (1 of 4 stars; one submission).

Submission:

Labcorp Genetics (formerly Invitae), Labcorp
Classification: Uncertain significance. Last evaluated: 2025-08-04. Review status: criteria provided, single submitter. Criteria: Invitae Variant Classification Sherloc (09022015). Collection method: clinical testing. Allele origin: germline.
Comment: This sequence change replaces proline, which is neutral and non-polar, with threonine, which is neutral and polar, at codon 535 of the PTH1R protein (p.Pro535Thr). This variant is not present in population databases (gnomAD no frequency). This variant has not been reported in the literature in individuals affected with PTH1R-related conditions. An algorithm developed to predict the effect of missense changes on protein structure and function (PolyPhen-2) suggests that this variant is likely to be disruptive. In summary, the available evidence is currently insufficient to determine the role of this variant in disease. Therefore, it has been classified as a Variant of Uncertain Significance.

NM_000316.3(PTH1R):c.1603C>A (p.Pro535Thr)

Gene: PTH1R (parathyroid hormone 1 receptor; plus strand). Cytogenetic location: 3p21.31.
Variant type: single nucleotide variant.
Coding change: c.1603C>A on transcript NM_000316.3 (MANE Select); coding-DNA position 1603, C replaced by A.
Protein change: p.Pro535Thr; replaces proline 535 with threonine.
Molecular consequence: missense variant.
Genome position (GRCh38, 1-based): chr3:46,903,477, C>A. VCF-style: chr3-46903477-C-A. GRCh37 (hg19) VCF-style: chr3-46944967-C-A.
Other names: c.1603C>A, p.Pro535Thr (NM_001184744.1); short protein forms P535T.
Identifiers: ClinVar variation 4724743 (VCV004724743.1).